The following is an entry in ClinVar:

NM_004646.4(NPHS1):c.836T>C (p.Leu279Pro)

Gene: NPHS1 (NPHS1 adhesion molecule, nephrin; minus strand). Cytogenetic location: 19q13.12.
Variant type: single nucleotide variant.
Coding change: c.836T>C on transcript NM_004646.4 (MANE Select); coding-DNA position 836, T replaced by C.
Protein change: p.Leu279Pro; replaces leucine 279 with proline.
Molecular consequence: missense variant.
Genome position (GRCh38, 1-based): chr19:35,849,240, A>G on the plus strand (T>C on the coding strand, the complement: NPHS1 is on the minus strand). VCF-style: chr19-35849240-A-G. GRCh37 (hg19) VCF-style: chr19-36340142-A-G.
Other names: short protein forms L279P.
Identifiers: ClinVar variation 4818873 (VCV004818873.1).

ClinVar aggregate classification (germline): Uncertain significance (1 of 4 stars; one submission).

Conditions:
Finnish congenital nephrotic syndrome (NPHS1). Also called: NEPHROTIC SYNDROME, TYPE 1. Identifiers: Orphanet 839, MedGen C0403399, MONDO:0009732, OMIM 256300.

gnomAD v4.1: 1 of 1,613,832 alleles (0.000062%); highest among the groups gnomAD compares: East Asian, 0.0022%; no homozygotes.

Submission:

MVZ Medizinische Genetik Mainz
Classification: Uncertain significance for Finnish congenital nephrotic syndrome. Last evaluated: 2026-03-04. Review status: criteria provided, single submitter. Criteria: UK Practice Guidelines For Variant Classification V4 01 2020. Collection method: clinical testing. Allele origin: germline. Inheritance: Autosomal recessive inheritance. Affected: yes. Observed: 1 variant allele.
Comment: ACMG Criteria: PM2_SUP,PP3